The following is an entry in ClinVar:

ClinVar aggregate classification (germline): Pathogenic. Review status: criteria provided, multiple submitters, no conflicts (2 of 4 stars). 8 submissions from 7 submitters: Pathogenic (5). 3 of the submissions do not count toward it. Last evaluated 2024-04-10.

Conditions:
Neuronal ceroid lipofuscinosis 11. Also called: GRN-Related Neuronal Ceroid-Lipofuscinosis. Identifiers: Orphanet 314629, Orphanet 79262, MedGen C3539123, MONDO:0013866, OMIM 614706.
GRN-related frontotemporal lobar degeneration with Tdp43 inclusions (FTD2). Also called: FRONTOTEMPORAL LOBAR DEGENERATION WITH UBIQUITIN-POSITIVE INCLUSIONS; FTLD-TDP, GRN-RELATED; FRONTOTEMPORAL DEMENTIA WITH TDP43 INCLUSIONS, GRN-RELATED; DEMENTIA, HEREDITARY DYSPHASIC DISINHIBITION; GRN Frontotemporal Dementia. Identifiers: Orphanet 100070, Orphanet 282, MedGen C1843792, MONDO:0011842, OMIM 607485. Disease mechanism: loss of function.

Submissions (8):

Institute of Human Genetics, University of Leipzig Medical Center
Classification: Pathogenic for GRN-related frontotemporal lobar degeneration with Tdp43 inclusions. Last evaluated: 2024-04-10. Review status: criteria provided, single submitter. Criteria: ACMG Guidelines, 2015. Collection method: clinical testing. Allele origin: unknown. Affected: yes.
Comment: Criteria applied: PVS1,PS4,PM2_SUP

Athena Diagnostics
Classification: Pathogenic. Last evaluated: 2023-09-12. Review status: criteria provided, single submitter. Criteria: Athena Diagnostics Criteria. Collection method: clinical testing. Allele origin: unknown.
Comment: This variant is expected to result in the loss of a functional protein. This variant has been identified in multiple unrelated individuals with FTLD-TDP or neuronal ceroid lipofuscinosis. This variant has not been reported in large, multi-ethnic general populations.

Mendelics
Classification: Pathogenic for GRN-related frontotemporal lobar degeneration with Tdp43 inclusions. Last evaluated: 2022-05-04. Review status: criteria provided, single submitter. Criteria: Mendelics Assertion Criteria 2019. Collection method: clinical testing. Allele origin: germline.

Labcorp Genetics (formerly Invitae), Labcorp
Classification: Pathogenic for Neuronal ceroid lipofuscinosis 11; GRN-related frontotemporal lobar degeneration with Tdp43 inclusions. Last evaluated: 2021-10-18. Review status: criteria provided, single submitter. Criteria: Invitae Variant Classification Sherloc (09022015). Collection method: clinical testing. Allele origin: germline.
Comment: This variant is not present in population databases (ExAC no frequency). This sequence change creates a premature translational stop signal (p.Thr272Serfs*10) in the GRN gene. It is expected to result in an absent or disrupted protein product. Loss-of-function variants in GRN are known to be pathogenic (PMID: 16862116, 16950801, 22608501). This premature translational stop signal has been observed in individuals with autosomal dominant frontotemporal dementia and autosomal recessive neuronal ceroid lipofuscinosis (PMID: 18245784, 20947212, 21891869, 22127750, 22608501). For these reasons, this variant has been classified as Pathogenic. ClinVar contains an entry for this variant (Variation ID: 16020).

CeGaT Center for Human Genetics Tuebingen
Classification: Pathogenic. Last evaluated: 2018-02-01. Review status: criteria provided, single submitter. Criteria: CeGaT Center For Human Genetics Tuebingen Variant Classification Criteria Version 2. Collection method: clinical testing. Allele origin: germline. Affected: yes. Observed: 1 variant allele.

OMIM
Classification: Pathogenic for FRONTOTEMPORAL DEMENTIA 2. Last evaluated: 2012-06-08. Review status: no assertion criteria provided. Collection method: literature only. Allele origin: germline. Not counted in ClinVar's aggregate classification.

OMIM
Classification: Pathogenic for CEROID LIPOFUSCINOSIS, NEURONAL, 11. Last evaluated: 2012-06-08. Review status: no assertion criteria provided. Collection method: literature only. Allele origin: germline. Not counted in ClinVar's aggregate classification.

VIB  Department of Molecular Genetics, University of Antwerp
No classification provided. Review status: no classification provided. Collection method: not provided. Allele origin: unknown. Not counted in ClinVar's aggregate classification.

Literature cited by the submitters: PubMed 22608501 (cited by 3 submitters); PubMed 21891869 (cited by Athena Diagnostics and Labcorp Genetics (formerly Invitae), Labcorp); PubMed 20947212 (cited by Athena Diagnostics and Labcorp Genetics (formerly Invitae), Labcorp); PubMed 18392865 (cited by Athena Diagnostics and OMIM); PubMed 18245784 (cited by Athena Diagnostics and Labcorp Genetics (formerly Invitae), Labcorp); PubMed 32507413 (cited by Athena Diagnostics); PubMed 33203472 (cited by Athena Diagnostics); PubMed 16862116 (cited by Labcorp Genetics (formerly Invitae), Labcorp); PubMed 16950801 (cited by Labcorp Genetics (formerly Invitae), Labcorp); PubMed 22127750 (cited by Labcorp Genetics (formerly Invitae), Labcorp); PubMed 19101631 (cited by OMIM); PubMed 20522652 (cited by OMIM); PubMed 33351065 (cited by OMIM).

NM_002087.4(GRN):c.813_816del (p.Thr272fs)

Gene: GRN (granulin precursor; plus strand). Cytogenetic location: 17q21.31.
Variant type: Deletion.
Coding change: c.813_816del on transcript NM_002087.4 (MANE Select); coding-DNA positions 813 to 816, 4 bases deleted (CACT; older notation c.813_816delCACT).
Protein change: p.Thr272fs; shifts the reading frame from threonine 272.
Molecular consequence: frameshift variant.
Genome position (GRCh38, 1-based): chr17:44,351,141-44,351,144, CACT deleted; deleting any 4 consecutive bases within chr17:44,351,139-44,351,144 gives the same sequence; the c. name uses the placement nearest the transcript's 3' end. VCF-style (leftmost placement, unchanged base first): chr17-44351138-CCTCA-C. GRCh37 (hg19) VCF-style: chr17-42428506-CCTCA-C.
Other names: c.813_816del (NM_002087.2); short protein forms T272fs.
Identifiers: ClinVar variation 16020 (VCV000016020.50), dbSNP rs63749877, ClinGen allele CA126151.